The following is an entry in ClinVar:

ClinVar aggregate classification (germline): Uncertain significance (1 of 4 stars; one submission).

gnomAD v4.1: 3 of 1,613,322 alleles (0.00019%); highest among the groups gnomAD compares: South Asian, 0.0022%; no homozygotes.

Submission:

Ambry Genetics
Classification: Uncertain significance. Last evaluated: 2025-04-12. Review status: criteria provided, single submitter. Criteria: Ambry Variant Classification Scheme 2023. Collection method: clinical testing. Allele origin: germline.
Comment: The p.H430R variant (also known as c.1289A>G), located in coding exon 8 of the ATRIP gene, results from an A to G substitution at nucleotide position 1289. The histidine at codon 430 is replaced by arginine, an amino acid with highly similar properties. This amino acid position is conserved. In addition, this alteration is predicted to be tolerated by in silico analysis. Based on the available evidence, the clinical significance of this variant remains unclear.

NM_130384.3(ATRIP):c.1289A>G (p.His430Arg)

Genes: ATRIP (ATR interacting protein; plus strand), ATRIP-TREX1 (ATRIP-TREX1 readthrough; plus strand). Cytogenetic location: 3p21.31.
Variant type: single nucleotide variant.
Coding change: c.1289A>G on transcript NM_130384.3 (MANE Select); coding-DNA position 1289, A replaced by G.
Protein change: p.His430Arg; replaces histidine 430 with arginine.
Molecular consequence: missense variant. On other transcripts: non-coding transcript variant (1).
Genome position (GRCh38, 1-based): chr3:48,460,343, A>G. VCF-style: chr3-48460343-A-G. GRCh37 (hg19) VCF-style: chr3-48501742-A-G.
Other names: c.908A>G, p.His303Arg (NM_001271022.2); c.1010A>G, p.His337Arg (NM_001271023.2); c.1289A>G, p.His430Arg (NM_032166.4); short protein forms H430R, H303R, H337R.
Identifiers: ClinVar variation 3976082 (VCV003976082.1).